The following is an entry in ClinVar:

NM_006258.4(PRKG1):c.206A>C (p.Gln69Pro)

Gene: PRKG1 (protein kinase cGMP-dependent 1; plus strand). Cytogenetic location: 10q11.23.
Variant type: single nucleotide variant.
Coding change: c.206A>C on transcript NM_006258.4 (MANE Select); coding-DNA position 206, A replaced by C.
Protein change: p.Gln69Pro; replaces glutamine 69 with proline.
Molecular consequence: missense variant. On other transcripts: intron variant (1).
Genome position (GRCh38, 1-based): chr10:51,074,796, A>C. VCF-style: chr10-51074796-A-C. GRCh37 (hg19) VCF-style: chr10-52834556-A-C.
Other names: c.206A>C, p.Gln69Pro (NM_001374782.1); c.267-78368A>C (NM_001098512.3); short protein forms Q69P.
Identifiers: ClinVar variation 2879930 (VCV002879930.3), dbSNP rs1343042344, ClinGen allele CA376827028.

ClinVar aggregate classification (germline): Uncertain significance (1 of 4 stars; one submission).

Conditions:
Aortic aneurysm, familial thoracic 8 (AAT8). Identifiers: MedGen C3809513, MONDO:0014187, OMIM 615436.

gnomAD v4.1: 1 of 1,613,920 alleles (0.000062%); no homozygotes.

Submission:

Labcorp Genetics (formerly Invitae), Labcorp
Classification: Uncertain significance for Aortic aneurysm, familial thoracic 8. Last evaluated: 2025-06-12. Review status: criteria provided, single submitter. Criteria: Invitae Variant Classification Sherloc (09022015). Collection method: clinical testing. Allele origin: germline.
Comment: This sequence change replaces glutamine, which is neutral and polar, with proline, which is neutral and non-polar, at codon 69 of the PRKG1 protein (p.Gln69Pro). This variant is not present in population databases (gnomAD no frequency). This variant has not been reported in the literature in individuals affected with PRKG1-related conditions. ClinVar contains an entry for this variant (Variation ID: 2879930). An algorithm developed to predict the effect of missense changes on protein structure and function (PolyPhen-2) suggests that this variant is likely to be tolerated. In summary, the available evidence is currently insufficient to determine the role of this variant in disease. Therefore, it has been classified as a Variant of Uncertain Significance.